The following is an entry in ClinVar:

ClinVar aggregate classification (germline): Uncertain significance (1 of 4 stars; one submission).

Allele frequency attached by ClinVar (database versions not stated): ExAC 0.00002.

Submission:

Labcorp Genetics (formerly Invitae), Labcorp
Classification: Uncertain significance. Last evaluated: 2022-07-31. Review status: criteria provided, single submitter. Criteria: Invitae Variant Classification Sherloc (09022015). Collection method: clinical testing. Allele origin: germline.
Comment: This variant is present in population databases (rs771753407, gnomAD 0.006%). This variant has not been reported in the literature in individuals affected with CYP4V2-related conditions. Advanced modeling of protein sequence and biophysical properties (such as structural, functional, and spatial information, amino acid conservation, physicochemical variation, residue mobility, and thermodynamic stability) performed at Invitae indicates that this missense variant is not expected to disrupt CYP4V2 protein function. In summary, the available evidence is currently insufficient to determine the role of this variant in disease. Therefore, it has been classified as a Variant of Uncertain Significance. This sequence change replaces methionine, which is neutral and non-polar, with isoleucine, which is neutral and non-polar, at codon 123 of the CYP4V2 protein (p.Met123Ile).

NM_207352.4(CYP4V2):c.369G>A (p.Met123Ile)

Gene: CYP4V2 (cytochrome P450 family 4 subfamily V member 2; plus strand). Cytogenetic location: 4q35.1.
Variant type: single nucleotide variant.
Coding change: c.369G>A on transcript NM_207352.4 (MANE Select); coding-DNA position 369, G replaced by A.
Protein change: p.Met123Ile; replaces methionine 123 with isoleucine.
Molecular consequence: missense variant.
Genome position (GRCh38, 1-based): chr4:186,196,044, G>A. VCF-style: chr4-186196044-G-A. GRCh37 (hg19) VCF-style: chr4-187117198-G-A.
Other names: short protein forms M123I.
Identifiers: ClinVar variation 1714640 (VCV001714640.5), dbSNP rs771753407, ClinGen allele CA3162530.